The following is an entry in ClinVar:

ClinVar aggregate classification (germline): Uncertain significance. Review status: criteria provided, multiple submitters, no conflicts (2 of 4 stars). 2 submissions from 2 submitters: Uncertain significance (2). Last evaluated 2025-07-02.

Conditions:
Inborn genetic diseases. Identifiers: MedGen C0950123, MeSH D030342.

Allele frequency attached by ClinVar (database versions not stated): gnomAD exomes below 0.00001 and 0.00002; gnomAD 0.00002; ExAC 0.00003; TOPMed 0.00005; 1000 Genomes Project 30x 0.00016; 1000 Genomes Project 0.00020.
gnomAD v4.1: 10 of 1,614,008 alleles (0.00062%); highest among the groups gnomAD compares: African/African-American, 0.011%; no homozygotes.

Submissions (2):

Ambry Genetics
Classification: Uncertain significance for Inborn genetic diseases. Last evaluated: 2025-07-02. Review status: criteria provided, single submitter. Criteria: Ambry Variant Classification Scheme 2023. Collection method: clinical testing. Allele origin: germline.

Labcorp Genetics (formerly Invitae), Labcorp
Classification: Uncertain significance. Last evaluated: 2022-07-12. Review status: criteria provided, single submitter. Criteria: Invitae Variant Classification Sherloc (09022015). Collection method: clinical testing. Allele origin: germline.
Comment: This sequence change replaces threonine, which is neutral and polar, with alanine, which is neutral and non-polar, at codon 167 of the KIAA1549 protein (p.Thr167Ala). This variant is present in population databases (rs537853829, gnomAD 0.04%). This variant has not been reported in the literature in individuals affected with KIAA1549-related conditions. ClinVar contains an entry for this variant (Variation ID: 1379225). Algorithms developed to predict the effect of missense changes on protein structure and function output the following: SIFT: "Tolerated"; PolyPhen-2: "Benign"; Align-GVGD: "Class C0". The alanine amino acid residue is found in multiple mammalian species, which suggests that this missense change does not adversely affect protein function. In summary, the available evidence is currently insufficient to determine the role of this variant in disease. Therefore, it has been classified as a Variant of Uncertain Significance.

NM_001164665.2(KIAA1549):c.499A>G (p.Thr167Ala)

Gene: KIAA1549 (KIAA1549; minus strand). Cytogenetic location: 7q34.
Variant type: single nucleotide variant.
Coding change: c.499A>G on transcript NM_001164665.2 (MANE Select); coding-DNA position 499, A replaced by G.
Protein change: p.Thr167Ala; replaces threonine 167 with alanine.
Molecular consequence: missense variant.
Genome position (GRCh38, 1-based): chr7:138,919,127, T>C on the plus strand (A>G on the coding strand, the complement: KIAA1549 is on the minus strand). VCF-style: chr7-138919127-T-C. GRCh37 (hg19) VCF-style: chr7-138603873-T-C.
Other names: c.499A>G, p.Thr167Ala (NM_020910.3); c.499A>G (NM_001164665.1); short protein forms T167A.
Identifiers: ClinVar variation 1379225 (VCV001379225.4), dbSNP rs537853829, ClinGen allele CA4506934.